The following is an entry in ClinVar:

NM_000540.3(RYR1):c.4477A>G (p.Met1493Val)

Gene: RYR1 (ryanodine receptor 1; plus strand). Cytogenetic location: 19q13.2.
Variant type: single nucleotide variant.
Coding change: c.4477A>G on transcript NM_000540.3 (MANE Select); coding-DNA position 4477, A replaced by G.
Protein change: p.Met1493Val; replaces methionine 1493 with valine.
Molecular consequence: missense variant.
Genome position (GRCh38, 1-based): chr19:38,478,457, A>G. VCF-style: chr19-38478457-A-G. GRCh37 (hg19) VCF-style: chr19-38969097-A-G.
Other names: c.4477A>G, p.Met1493Val (NM_001042723.2); short protein forms M1493V.
Identifiers: ClinVar variation 2074983 (VCV002074983.4), dbSNP rs762160659, ClinGen allele CA066133.

ClinVar aggregate classification (germline): Uncertain significance (1 of 4 stars; one submission).

Conditions:
RYR1-related disorder. Also called: RYR1-related condition; RYR1-related disorders. Identifiers: MedGen CN239331.

Allele frequency attached by ClinVar (database versions not stated): ExAC 0.00001; gnomAD 0.00001.

Submission:

Labcorp Genetics (formerly Invitae), Labcorp
Classification: Uncertain significance for RYR1-related disorder. Last evaluated: 2023-07-07. Review status: criteria provided, single submitter. Criteria: Invitae Variant Classification Sherloc (09022015). Collection method: clinical testing. Allele origin: germline.
Comment: In summary, the available evidence is currently insufficient to determine the role of this variant in disease. Therefore, it has been classified as a Variant of Uncertain Significance. Advanced modeling of protein sequence and biophysical properties (such as structural, functional, and spatial information, amino acid conservation, physicochemical variation, residue mobility, and thermodynamic stability) performed at Invitae indicates that this missense variant is not expected to disrupt RYR1 protein function. ClinVar contains an entry for this variant (Variation ID: 2074983). This variant has not been reported in the literature in individuals affected with RYR1-related conditions. This variant is present in population databases (rs762160659, gnomAD 0.0009%). This sequence change replaces methionine, which is neutral and non-polar, with valine, which is neutral and non-polar, at codon 1493 of the RYR1 protein (p.Met1493Val).